The following is an entry in ClinVar:

NM_020987.5(ANK3):c.2173G>A (p.Ala725Thr)

Gene: ANK3 (ankyrin 3; minus strand). Cytogenetic location: 10q21.2.
Variant type: single nucleotide variant.
Coding change: c.2173G>A on transcript NM_020987.5 (MANE Select); coding-DNA position 2173, G replaced by A.
Protein change: p.Ala725Thr; replaces alanine 725 with threonine.
Molecular consequence: missense variant.
Genome position (GRCh38, 1-based): chr10:60,181,340, C>T on the plus strand (G>A on the coding strand, the complement: ANK3 is on the minus strand). VCF-style: chr10-60181340-C-T. GRCh37 (hg19) VCF-style: chr10-61941098-C-T.
Other names: c.2155G>A, p.Ala719Thr (NM_001204403.2); c.2122G>A, p.Ala708Thr (NM_001204404.2); c.2173G>A, p.Ala725Thr (NM_001320874.2); short protein forms A719T, A725T, A708T.
Identifiers: ClinVar variation 434190 (VCV000434190.34), dbSNP rs144051466, ClinGen allele CA5512917.

ClinVar aggregate classification (germline): Conflicting classifications of pathogenicity. Review status: criteria provided, conflicting classifications (1 of 4 stars). 4 submissions from 4 submitters: Uncertain significance (3); Likely benign (1). Last evaluated 2025-11-01.

Allele frequency attached by ClinVar (database versions not stated): gnomAD 0.00030 and 0.00028; ESP Exome Variant Server 0.00031; gnomAD exomes 0.00019 and 0.00025; ExAC 0.00021; TOPMed 0.00022.
gnomAD v4.1: 318 of 1,614,114 alleles (0.02%); highest among the groups gnomAD compares: Non-Finnish European, 0.024%; 1 homozygote.

Submissions (4):

CeGaT Center for Human Genetics Tuebingen
Classification: Likely benign. Last evaluated: 2025-11-01. Review status: criteria provided, single submitter. Criteria: CeGaT Center For Human Genetics Tuebingen Variant Classification Criteria Version 2. Collection method: clinical testing. Allele origin: germline. Affected: yes. Observed: 4 variant alleles.
Comment: ANK3: BP4

Blueprint Genetics
Classification: Uncertain significance. Last evaluated: 2024-11-25. Review status: criteria provided, single submitter. Criteria: ACMG Guidelines, 2015. Collection method: clinical testing. Allele origin: germline.

Labcorp Genetics (formerly Invitae), Labcorp
Classification: Uncertain significance. Last evaluated: 2024-10-24. Review status: criteria provided, single submitter. Criteria: Invitae Variant Classification Sherloc (09022015). Collection method: clinical testing. Allele origin: germline.
Comment: This sequence change replaces alanine, which is neutral and non-polar, with threonine, which is neutral and polar, at codon 725 of the ANK3 protein (p.Ala725Thr). This variant is present in population databases (rs144051466, gnomAD 0.09%). This variant has not been reported in the literature in individuals affected with ANK3-related conditions. ClinVar contains an entry for this variant (Variation ID: 434190). Invitae Evidence Modeling of protein sequence and biophysical properties (such as structural, functional, and spatial information, amino acid conservation, physicochemical variation, residue mobility, and thermodynamic stability) indicates that this missense variant is not expected to disrupt ANK3 protein function with a negative predictive value of 80%. In summary, the available evidence is currently insufficient to determine the role of this variant in disease. Therefore, it has been classified as a Variant of Uncertain Significance.

Genetic Services Laboratory, University of Chicago
Classification: Uncertain significance. Last evaluated: 2015-11-19. Review status: criteria provided, single submitter. Criteria: ACMG Guidelines, 2015. Collection method: clinical testing. Allele origin: germline. Affected: no.